The following is an entry in ClinVar:

NM_001378328.1(CELSR1):c.4183+798G>A

Genes: CELSR1 (cadherin EGF LAG seven-pass G-type receptor 1; minus strand), LOC126863170 (CDK7 strongly-dependent group 2 enhancer GRCh37_chr22:46858535-46859734; plus strand). Cytogenetic location: 22q13.31.
Variant type: single nucleotide variant.
Coding change: c.4183+798G>A on transcript NM_001378328.1 (MANE Select); 798 bases into the intron after coding-DNA position 4183, G replaced by A.
Molecular consequence: intron variant.
Genome position (GRCh38, 1-based): chr22:46,462,909, C>T on the plus strand (G>A on the coding strand, the complement: CELSR1 is on the minus strand). VCF-style: chr22-46462909-C-T. GRCh37 (hg19) VCF-style: chr22-46858806-C-T.
Other names: c.4183+798G>A (NM_014246.4).
Identifiers: ClinVar variation 3770904 (VCV003770904.13).
Genomic context (GRCh38, chr22:46,462,909, plus strand): 5'-TCTTGGTGATGAGTCAGGAGGTATCAAGGAAAGAGCATCTTCAGAGGCGGGAGGATGAGT[C>T]ACGAAATTTCTACGGTGACAGGGAGGCATGAAAAAACAGGATTTCAAGACCCAAATGATT-3'

ClinVar aggregate classification (germline): Benign (1 of 4 stars; one submission).

gnomAD v4.1: 541 of 468,178 alleles (0.12%); highest among the groups gnomAD compares: Non-Finnish European, 0.19%; 1 homozygote.

Submission:

CeGaT Center for Human Genetics Tuebingen
Classification: Benign. Last evaluated: 2025-02-01. Review status: criteria provided, single submitter. Criteria: CeGaT Center For Human Genetics Tuebingen Variant Classification Criteria Version 2. Collection method: clinical testing. Allele origin: germline. Affected: yes. Observed: 1 variant allele.
Comment: CELSR1: BS1, BS2